The following is an entry in ClinVar:

NM_006267.5(RANBP2):c.678T>G (p.Ser226Arg)

Gene: RANBP2 (RAN binding protein 2; plus strand). Cytogenetic location: 2q13.
Variant type: single nucleotide variant.
Coding change: c.678T>G on transcript NM_006267.5 (MANE Select); coding-DNA position 678, T replaced by G.
Protein change: p.Ser226Arg; replaces serine 226 with arginine.
Molecular consequence: missense variant.
Genome position (GRCh38, 1-based): chr2:108,736,145, T>G. VCF-style: chr2-108736145-T-G. GRCh37 (hg19) VCF-style: chr2-109352601-T-G.
Other names: short protein forms S226R.
Identifiers: ClinVar variation 1423331 (VCV001423331.9), dbSNP rs2149130940, ClinGen allele CA348041560.

ClinVar aggregate classification (germline): Uncertain significance (1 of 4 stars; one submission).

Conditions:
Familial acute necrotizing encephalopathy (IIAE3). Also called: ENCEPHALOPATHY, ACUTE, INFECTION-INDUCED, SUSCEPTIBILITY TO, 3; Susceptibility to Acute Necrotizing Encephalopathy 1. Identifiers: Orphanet 88619, MedGen C2675556, MONDO:0011953, OMIM 608033.

Submission:

Labcorp Genetics (formerly Invitae), Labcorp
Classification: Uncertain significance for Familial acute necrotizing encephalopathy. Last evaluated: 2022-08-31. Review status: criteria provided, single submitter. Criteria: Invitae Variant Classification Sherloc (09022015). Collection method: clinical testing. Allele origin: germline.
Comment: ClinVar contains an entry for this variant (Variation ID: 1423331). This variant has not been reported in the literature in individuals affected with RANBP2-related conditions. This variant is not present in population databases (gnomAD no frequency). This sequence change replaces serine, which is neutral and polar, with arginine, which is basic and polar, at codon 226 of the RANBP2 protein (p.Ser226Arg). Algorithms developed to predict the effect of missense changes on protein structure and function are either unavailable or do not agree on the potential impact of this missense change (SIFT: "Deleterious"; PolyPhen-2: "Benign"; Align-GVGD: "Class C65"). In summary, the available evidence is currently insufficient to determine the role of this variant in disease. Therefore, it has been classified as a Variant of Uncertain Significance.